The following is an entry in ClinVar:

ClinVar aggregate classification (germline): Uncertain significance. Review status: criteria provided, multiple submitters, no conflicts (2 of 4 stars). 2 submissions from 2 submitters: Uncertain significance (2). Last evaluated 2024-07-03.

Conditions:
Inborn genetic diseases. Identifiers: MedGen C0950123, MeSH D030342.

gnomAD v4.1: 36 of 1,569,712 alleles (0.0023%); highest among the groups gnomAD compares: Admixed American, 0.0038%; no homozygotes.

Submissions (2):

GeneDx
Classification: Uncertain significance. Last evaluated: 2024-07-03. Review status: criteria provided, single submitter. Criteria: GeneDx Variant Classification Process June 2021. Collection method: clinical testing. Allele origin: germline. Affected: yes.
Comment: In silico analysis supports that this missense variant has a deleterious effect on protein structure/function; Has not been previously published as pathogenic or benign to our knowledge

Ambry Genetics
Classification: Uncertain significance for Inborn genetic diseases. Last evaluated: 2024-05-02. Review status: criteria provided, single submitter. Criteria: Ambry Variant Classification Scheme 2023. Collection method: clinical testing. Allele origin: germline.

NM_001271938.2(MEGF8):c.2803C>T (p.Arg935Trp)

Gene: MEGF8 (multiple EGF like domains 8; plus strand). Cytogenetic location: 19q13.2.
Variant type: single nucleotide variant.
Coding change: c.2803C>T on transcript NM_001271938.2 (MANE Select); coding-DNA position 2803, C replaced by T.
Protein change: p.Arg935Trp; replaces arginine 935 with tryptophan.
Molecular consequence: missense variant.
Genome position (GRCh38, 1-based): chr19:42,351,282, C>T. VCF-style: chr19-42351282-C-T. GRCh37 (hg19) VCF-style: chr19-42855434-C-T.
Other names: c.2602C>T, p.Arg868Trp (NM_001410.3); short protein forms R868W, R935W.
Identifiers: ClinVar variation 3294125 (VCV003294125.2).
Genomic context (GRCh38, chr19:42,351,282, plus strand): 5'-TTCTGTGAGTGGCATCAGAGCACCAGCCGCAAAGGGGACGCGGCATGCAGCCGGCGGGGC[C>T]GGGGTCGGGGTGCCCTGAAGAGTCCAGAGGAGTGTCCCCCGCTCTGCAGCCAGTGAGTCA-3'
Protein context (NP_001258867.1, residues 925-945): KGDAACSRRG[Arg935Trp]GRGALKSPEE